The following is an entry in ClinVar:

ClinVar aggregate classification (germline): Uncertain significance (1 of 4 stars; one submission).

Conditions:
Inborn genetic diseases. Identifiers: MedGen C0950123, MeSH D030342.

Submission:

Ambry Genetics
Classification: Uncertain significance for Inborn genetic diseases. Last evaluated: 2024-11-23. Review status: criteria provided, single submitter. Criteria: Ambry Variant Classification Scheme 2023. Collection method: clinical testing. Allele origin: germline.
Comment: The p.V684A variant (also known as c.2051T>C), located in coding exon 20 of the ANKRD26 gene, results from a T to C substitution at nucleotide position 2051. The valine at codon 684 is replaced by alanine, an amino acid with similar properties. This amino acid position is conserved. In addition, this alteration is predicted to be tolerated by in silico analysis. Based on the available evidence, the clinical significance of this variant remains unclear.

NM_014915.3(ANKRD26):c.2051T>C (p.Val684Ala)

Gene: ANKRD26 (ankyrin repeat domain containing 26; minus strand). Cytogenetic location: 10p12.1.
Variant type: single nucleotide variant.
Coding change: c.2051T>C on transcript NM_014915.3 (MANE Select); coding-DNA position 2051, T replaced by C.
Protein change: p.Val684Ala; replaces valine 684 with alanine.
Molecular consequence: missense variant.
Genome position (GRCh38, 1-based): chr10:27,043,536, A>G on the plus strand (T>C on the coding strand, the complement: ANKRD26 is on the minus strand). VCF-style: chr10-27043536-A-G. GRCh37 (hg19) VCF-style: chr10-27332465-A-G.
Other names: c.2048T>C, p.Val683Ala (NM_001256053.2); short protein forms V683A, V684A.
Identifiers: ClinVar variation 3396610 (VCV003396610.1).
Genomic context (GRCh38, chr10:27,043,536, plus strand): 5'-CTAGAGTGGGGTAGCTCACAATCCTCTGAGGCTGTTTCAGATGACTGAGTTAAGTCATCA[A>G]CATCATCCATAGACTGTATTTGGTTTTTGACCTATGAAATAAATAACACTGTTTCAAAAT-3'
Protein context (NP_055730.2, residues 674-694): VKNQIQSMDD[Val684Ala]DDLTQSSETA